The following is an entry in ClinVar:

NM_005762.3(TRIM28):c.323C>T (p.Ala108Val)

Genes: TRIM28 (tripartite motif containing 28; plus strand), LOC130065239 (ATAC-STARR-seq lymphoblastoid silent region 11093; plus strand). Cytogenetic location: 19q13.43.
Variant type: single nucleotide variant.
Coding change: c.323C>T on transcript NM_005762.3 (MANE Select); coding-DNA position 323, C replaced by T.
Protein change: p.Ala108Val; replaces alanine 108 with valine.
Molecular consequence: missense variant.
Genome position (GRCh38, 1-based): chr19:58,545,080, C>T. VCF-style: chr19-58545080-C-T. GRCh37 (hg19) VCF-style: chr19-59056447-C-T.
Other names: short protein forms A108V.
Identifiers: ClinVar variation 3182338 (VCV003182338.3), dbSNP rs1467713692, ClinGen allele CA407903676.

ClinVar aggregate classification (germline): Uncertain significance. Review status: criteria provided, multiple submitters, no conflicts (2 of 4 stars). 2 submissions from 2 submitters: Uncertain significance (2). Last evaluated 2024-05-13.

Allele frequency attached by ClinVar (database versions not stated): TOPMed below 0.00001; gnomAD 0.00001; gnomAD exomes 0.00001.
gnomAD v4.1: 8 of 1,432,214 alleles (0.00056%); highest among the groups gnomAD compares: Admixed American, 0.0065%; no homozygotes.

Submissions (2):

Labcorp Genetics (formerly Invitae), Labcorp
Classification: Uncertain significance. Last evaluated: 2024-05-13. Review status: criteria provided, single submitter. Criteria: Invitae Variant Classification Sherloc (09022015). Collection method: clinical testing. Allele origin: germline.
Comment: This sequence change replaces alanine, which is neutral and non-polar, with valine, which is neutral and non-polar, at codon 108 of the TRIM28 protein (p.Ala108Val). The frequency data for this variant in the population databases is considered unreliable, as metrics indicate poor data quality at this position in the gnomAD database. This variant has not been reported in the literature in individuals affected with TRIM28-related conditions. Experimental studies and prediction algorithms are not available or were not evaluated, and the functional significance of this variant is currently unknown. In summary, the available evidence is currently insufficient to determine the role of this variant in disease. Therefore, it has been classified as a Variant of Uncertain Significance.

Ambry Genetics
Classification: Uncertain significance. Last evaluated: 2023-11-27. Review status: criteria provided, single submitter. Criteria: Ambry Variant Classification Scheme 2023. Collection method: clinical testing. Allele origin: germline.